The following is an entry in ClinVar:

ClinVar aggregate classification (germline): Uncertain significance (1 of 4 stars; one submission).

Allele frequency attached by ClinVar (database versions not stated): TOPMed 0.00001.

Submission:

GeneDx
Classification: Uncertain significance. Last evaluated: 2023-01-03. Review status: criteria provided, single submitter. Criteria: GeneDx Variant Classification Process June 2021. Collection method: clinical testing. Allele origin: germline. Affected: yes.
Comment: Not observed at significant frequency in large population cohorts (gnomAD); In silico analysis supports that this missense variant does not alter protein structure/function; Has not been previously published as pathogenic or benign to our knowledge

NM_019066.5(MAGEL2):c.3740C>T (p.Pro1247Leu)

Gene: MAGEL2 (MAGE family member L2; minus strand). Cytogenetic location: 15q11.2.
Variant type: single nucleotide variant.
Coding change: c.3740C>T on transcript NM_019066.5 (MANE Select); coding-DNA position 3740, C replaced by T.
Protein change: p.Pro1247Leu; replaces proline 1247 with leucine.
Molecular consequence: missense variant.
Genome position (GRCh38, 1-based): chr15:23,644,003, G>A on the plus strand (C>T on the coding strand, the complement: MAGEL2 is on the minus strand). VCF-style: chr15-23644003-G-A. GRCh37 (hg19) VCF-style: chr15-23889150-G-A.
Other names: short protein forms P1247L.
Identifiers: ClinVar variation 1810580 (VCV001810580.1), dbSNP rs903799083, ClinGen allele CA267657377.
Genomic context (GRCh38, chr15:23,644,003, plus strand): 5'-CAGTGGCCTCTGGCCAGGGAAACACAGGAGCGAGATCTCTGCTACACCTATTAGCGGGGA[G>A]GGGGCCTGCTGGTGGGGCCGTGGGCACTGTCACCGGTGTCAGGTTCATCCTCATCTGTGT-3'
Protein context (NP_061939.3, residues 1237-1249): DSAHGPTSRP[Pro1247Leu]PR